The following is an entry in ClinVar:

NM_025137.4(SPG11):c.2620+6T>C

Gene: SPG11 (SPG11 vesicle trafficking associated, spatacsin; minus strand). Cytogenetic location: 15q21.1.
Variant type: single nucleotide variant.
Coding change: c.2620+6T>C on transcript NM_025137.4 (MANE Select); 6 bases into the intron after coding-DNA position 2620, T replaced by C.
Molecular consequence: intron variant.
Genome position (GRCh38, 1-based): chr15:44,621,753, A>G on the plus strand (T>C on the coding strand, the complement: SPG11 is on the minus strand). VCF-style: chr15-44621753-A-G. GRCh37 (hg19) VCF-style: chr15-44913951-A-G.
Other names: c.2620+6T>C (NM_001160227.2).
Identifiers: ClinVar variation 884749 (VCV000884749.16), dbSNP rs762381864, ClinGen allele CA7535202.

ClinVar aggregate classification (germline): Uncertain significance. Review status: criteria provided, multiple submitters, no conflicts (2 of 4 stars). 7 submissions from 5 submitters: Uncertain significance (7). Last evaluated 2025-01-27.

Conditions:
Inborn genetic diseases. Identifiers: MedGen C0950123, MeSH D030342.
Charcot-Marie-Tooth disease axonal type 2X. Also called: CHARCOT-MARIE-TOOTH DISEASE, AXONAL, AUTOSOMAL RECESSIVE, TYPE 2X; CHARCOT-MARIE-TOOTH NEUROPATHY, TYPE 2X. Identifiers: Orphanet 466775, MedGen C5569024, MONDO:0014726, OMIM 616668.
Hereditary spastic paraplegia 11. Also called: Nakamura Osame syndrome; Autosomal recessive hereditary spastic paraplegia, mental impairment, and thin corpus callosum; Spastic paraplegia, mental retardation and thin corpus callosum; SPASTIC PARAPLEGIA, AUTOSOMAL RECESSIVE, COMPLICATED, WITH THIN CORPUS CALLOSUM; SPASTIC PARAPLEGIA, AUTOSOMAL RECESSIVE, WITH MENTAL IMPAIRMENT AND THIN CORPUS CALLOSUM; Spastic Paraplegia 11. Identifiers: Orphanet 2822, MedGen C1858479, MONDO:0011445, OMIM 604360.
Amyotrophic lateral sclerosis type 5 (ALS5). Also called: AMYOTROPHIC LATERAL SCLEROSIS 5, JUVENILE. Identifiers: Orphanet 300605, MedGen C1865864, MONDO:0011196, OMIM 602099.

Allele frequency attached by ClinVar (database versions not stated): gnomAD 0.00001; gnomAD exomes 0.00001 and 0.00002; ExAC 0.00002; TOPMed 0.00003.
gnomAD v4.1: 30 of 1,613,608 alleles (0.0019%); highest among the groups gnomAD compares: Non-Finnish European, 0.0025%; no homozygotes.

Submissions (8):

Women's Health and Genetics/Laboratory Corporation of America, LabCorp
Classification: Uncertain significance. Last evaluated: 2025-01-27. Review status: criteria provided, single submitter. Criteria: LabCorp Variant Classification Summary - May 2015. Collection method: clinical testing. Allele origin: germline.

Labcorp Genetics (formerly Invitae), Labcorp
Classification: Uncertain significance for Hereditary spastic paraplegia 11. Last evaluated: 2022-07-25. Review status: criteria provided, single submitter. Criteria: Invitae Variant Classification Sherloc (09022015). Collection method: clinical testing. Allele origin: germline.
Comment: This sequence change falls in intron 14 of the SPG11 gene. It does not directly change the encoded amino acid sequence of the SPG11 protein. It affects a nucleotide within the consensus splice site. This variant is present in population databases (rs762381864, gnomAD 0.004%). This variant has not been reported in the literature in individuals affected with SPG11-related conditions. ClinVar contains an entry for this variant (Variation ID: 884749). Variants that disrupt the consensus splice site are a relatively common cause of aberrant splicing (PMID: 17576681, 9536098). Algorithms developed to predict the effect of sequence changes on RNA splicing suggest that this variant may disrupt the consensus splice site. In summary, the available evidence is currently insufficient to determine the role of this variant in disease. Therefore, it has been classified as a Variant of Uncertain Significance.

Ambry Genetics
Classification: Uncertain significance for Inborn genetic diseases. Last evaluated: 2022-02-20. Review status: criteria provided, single submitter. Criteria: Ambry Variant Classification Scheme 2023. Collection method: clinical testing. Allele origin: germline.
Comment: The c.2620+6T>C intronic variant results from a T to C substitution 6 nucleotides after coding exon 14 in the SPG11 gene. This nucleotide position is highly conserved in available vertebrate species. In silico splice site analysis predicts that this alteration will weaken the native splice donor site. Since supporting evidence is limited at this time, the clinical significance of this alteration remains unclear.

Illumina Laboratory Services, Illumina
Classification: Uncertain significance for Hereditary spastic paraplegia 11. Last evaluated: 2018-01-12. Review status: criteria provided, single submitter. Criteria: ICSL Variant Classification Criteria 13 December 2019. Collection method: clinical testing. Allele origin: germline.

Genome-Nilou Lab
Classification: Uncertain significance for Amyotrophic lateral sclerosis type 5. Review status: criteria provided, single submitter. Criteria: ACMG Guidelines, 2015. Collection method: clinical testing. Allele origin: germline.

Genome-Nilou Lab
Classification: Uncertain significance for Charcot-Marie-Tooth disease axonal type 2X. Review status: criteria provided, single submitter. Criteria: ACMG Guidelines, 2015. Collection method: clinical testing. Allele origin: germline.

Genome-Nilou Lab
Classification: Uncertain significance for Hereditary spastic paraplegia 11. Review status: criteria provided, single submitter. Criteria: ACMG Guidelines, 2015. Collection method: clinical testing. Allele origin: germline.

Dr. Peter K. Rogan Lab, Western University
No classification provided (evidence only). Condition: Lung cancer. Review status: no classification provided. Collection method: in vitro. Allele origin: not applicable. Functional consequence: retained intron. Not counted in ClinVar's aggregate classification.

Literature cited by the submitters: PubMed 17576681 (cited by Labcorp Genetics (formerly Invitae), Labcorp); PubMed 9536098 (cited by Labcorp Genetics (formerly Invitae), Labcorp).